The following is an entry in ClinVar:

NM_021008.4(DEAF1):c.425A>C (p.Asn142Thr)

Gene: DEAF1 (DEAF1 transcription factor; minus strand). Cytogenetic location: 11p15.5.
Variant type: single nucleotide variant.
Coding change: c.425A>C on transcript NM_021008.4 (MANE Select); coding-DNA position 425, A replaced by C.
Protein change: p.Asn142Thr; replaces asparagine 142 with threonine.
Molecular consequence: missense variant. On other transcripts: 5 prime UTR variant (3), intron variant (1).
Genome position (GRCh38, 1-based): chr11:688,423, T>G on the plus strand (A>C on the coding strand, the complement: DEAF1 is on the minus strand). VCF-style: chr11-688423-T-G. GRCh37 (hg19) VCF-style: chr11-688423-T-G.
Other names: c.425A>C, p.Asn142Thr (NM_001293634.2, NM_001440883.1, NM_001440884.1); c.-302A>C (NM_001367390.1, NM_001440886.1, NM_001440887.1); c.-209-366A>C (NM_001440885.1); short protein forms N142T.
Identifiers: ClinVar variation 4998744 (VCV004998744.1).

ClinVar aggregate classification (germline): Uncertain significance (1 of 4 stars; one submission).

Conditions:
DEAF1-related disorder.

Submission:

PreventionGenetics, part of Exact Sciences
Classification: Uncertain significance for DEAF1-related condition. Last evaluated: 2024-10-16. Review status: criteria provided, single submitter. Criteria: ACMG Guidelines, 2015. Collection method: clinical testing. Allele origin: germline.
Comment: The DEAF1 c.425A>C variant is predicted to result in the amino acid substitution p.Asn142Thr. To our knowledge, this variant has not been reported in the literature or in a large population database (gnomAD), indicating this variant is rare. At this time, the clinical significance of this variant is uncertain due to the absence of conclusive functional and genetic evidence.